The following is an entry in ClinVar:

NM_000719.7(CACNA1C):c.101C>T (p.Ala34Val)

Gene: CACNA1C (calcium voltage-gated channel subunit alpha1 C; plus strand). Cytogenetic location: 12p13.33.
Variant type: single nucleotide variant.
Coding change: c.101C>T on transcript NM_000719.7 (MANE Select); coding-DNA position 101, C replaced by T.
Protein change: p.Ala34Val; replaces alanine 34 with valine.
Molecular consequence: missense variant.
Genome position (GRCh38, 1-based): chr12:2,115,275, C>T. VCF-style: chr12-2115275-C-T. GRCh37 (hg19) VCF-style: chr12-2224441-C-T.
Other names: p.A34V:GCG>GTG; c.101C>T, p.Ala34Val (NM_001129827.2, NM_001129829.2, NM_001129830.3 and 19 more transcripts); c.101C>T (NM_199460.3); short protein forms A34V.
Identifiers: ClinVar variation 190680 (VCV000190680.11), dbSNP rs551396698, ClinGen allele CA301583.

ClinVar aggregate classification (germline): Conflicting classifications of pathogenicity. Review status: criteria provided, conflicting classifications (1 of 4 stars). 4 submissions from 4 submitters: Uncertain significance (2); Benign (2). Last evaluated 2026-01-14.

Conditions:
Cardiovascular phenotype. Identifiers: MedGen CN230736.
Long QT syndrome (LQTS). Identifiers: MedGen C0023976, MeSH D008133, MONDO:0002442. Disease mechanism: loss of function. Inheritance: Various modes of inheritance.

Allele frequency attached by ClinVar (database versions not stated): gnomAD 0.00001; gnomAD exomes 0.00005; ExAC 0.00009; 1000 Genomes Project 30x 0.00031; 1000 Genomes Project 0.00040.
gnomAD v4.1: 51 of 1,590,512 alleles (0.0032%); highest among the groups gnomAD compares: South Asian, 0.041%; no homozygotes.

Submissions (4):

Labcorp Genetics (formerly Invitae), Labcorp
Classification: Benign for Long QT syndrome. Last evaluated: 2026-01-14. Review status: criteria provided, single submitter. Criteria: Invitae Variant Classification Sherloc (09022015). Collection method: clinical testing. Allele origin: germline.

Molecular Diagnostic Laboratory for Inherited Cardiovascular Disease, Montreal Heart Institute
Classification: Uncertain significance for Cardiovascular phenotype. Last evaluated: 2025-04-09. Review status: criteria provided, single submitter. Criteria: ACMG Guidelines, 2015. Collection method: clinical testing. Allele origin: germline. Affected: yes.

GeneDx
Classification: Uncertain significance. Last evaluated: 2023-11-29. Review status: criteria provided, single submitter. Criteria: GeneDx Variant Classification Process June 2021. Collection method: clinical testing. Allele origin: germline. Affected: yes.
Comment: In silico analysis supports that this missense variant does not alter protein structure/function; This variant is associated with the following publications: (PMID: 24981977, 34999275)

Ambry Genetics
Classification: Benign for Cardiovascular phenotype. Last evaluated: 2023-04-11. Review status: criteria provided, single submitter. Criteria: Ambry Variant Classification Scheme 2023. Collection method: clinical testing. Allele origin: germline.

Literature cited by the submitters: PubMed 34999275 (cited by Ambry Genetics).